The following is an entry in ClinVar:

ClinVar aggregate classification (germline): Likely pathogenic. Review status: criteria provided, multiple submitters, no conflicts (2 of 4 stars). 2 submissions from 2 submitters: Likely pathogenic (2). Last evaluated 2025-09-02.

Conditions:
Severe combined immunodeficiency, autosomal recessive, T cell-negative, B cell-negative, NK cell-positive. Also called: SCID, T CELL-NEGATIVE, B CELL-NEGATIVE, NK CELL-POSITIVE; Severe combined immunodeficiency due to complete RAG1/2 deficiency; SCID, AR, T-cell negative, B-cell negative, NK cell-positive. Identifiers: Orphanet 331206, MedGen C1832322, MONDO:0011086, OMIM 601457.
Combined immunodeficiency with skin granulomas. Identifiers: Orphanet 157949, MedGen C2673536, MONDO:0009306, OMIM 233650.
Histiocytic medullary reticulosis. Also called: SEVERE COMBINED IMMUNODEFICIENCY WITH HYPEREOSINOPHILIA; Omenn syndrome. Identifiers: Orphanet 39041, MedGen C2700553, MONDO:0011338, OMIM 603554.

gnomAD v4.1: 24 of 1,613,750 alleles (0.0015%); highest among the groups gnomAD compares: Non-Finnish European, 0.0018%; no homozygotes.

Submissions (2):

Natera, Inc.
Classification: Likely pathogenic for Omenn syndrome. Last evaluated: 2025-09-02. Review status: criteria provided, single submitter. Criteria: Natera Variant Classification Schema (03/2026). Collection method: clinical testing. Allele origin: germline.
Comment: The c.686G>T variant in RAG2 is a missense variant predicted to cause substitution of arginine to leucine at amino acid 229. This variant is rare in the general population with a frequency below the threshold expected for the associated phenotype(s). This variant has been observed in one or more individuals affected with the associated recessive disease, as either homozygous or compound heterozygous with a second variant (PMID: 36279417). Functional studies show that this variant may disrupt protein function (PMID: 36279417). A different variant at the same position has been determined to be Pathogenic or Likely Pathogenic. Computational prediction algorithms indicate this variant is likely to affect gene or protein function. Given the available evidence, this variant is classified as Likely Pathogenic.

Labcorp Genetics (formerly Invitae), Labcorp
Classification: Likely pathogenic for Combined immunodeficiency with skin granulomas; Severe combined immunodeficiency, autosomal recessive, T cell-negative, B cell-negative, NK cell-positive. Last evaluated: 2025-04-29. Review status: criteria provided, single submitter. Criteria: Invitae Variant Classification Sherloc (09022015). Collection method: clinical testing. Allele origin: germline.
Comment: This sequence change replaces arginine, which is basic and polar, with leucine, which is neutral and non-polar, at codon 229 of the RAG2 protein (p.Arg229Leu). This variant is present in population databases (rs121917894, gnomAD 0.003%). This missense change has been observed in individual(s) with clinical features of RAG2-related conditions (PMID: 36279417). ClinVar contains an entry for this variant (Variation ID: 1483301). Invitae Evidence Modeling of protein sequence and biophysical properties (such as structural, functional, and spatial information, amino acid conservation, physicochemical variation, residue mobility, and thermodynamic stability) indicates that this missense variant is expected to disrupt RAG2 protein function with a positive predictive value of 95%. Experimental studies have shown that this missense change affects RAG2 function (PMID: 36279417). This variant disrupts the p.Arg229 amino acid residue in RAG2. Other variant(s) that disrupt this residue have been determined to be pathogenic (PMID: 11133745, 15025726, 16960852, 28747913). This suggests that this residue is clinically significant, and that variants that disrupt this residue are likely to be disease-causing. In summary, the currently available evidence indicates that the variant is pathogenic, but additional data are needed to prove that conclusively. Therefore, this variant has been classified as Likely Pathogenic.

Literature cited by the submitters: PubMed 36279417 (cited by Natera, Inc. and Labcorp Genetics (formerly Invitae), Labcorp); PubMed 11133745 (cited by Labcorp Genetics (formerly Invitae), Labcorp); PubMed 15025726 (cited by Labcorp Genetics (formerly Invitae), Labcorp); PubMed 16960852 (cited by Labcorp Genetics (formerly Invitae), Labcorp); PubMed 28747913 (cited by Labcorp Genetics (formerly Invitae), Labcorp).

NM_000536.4(RAG2):c.686G>T (p.Arg229Leu)

Gene: RAG2 (recombination activating 2; minus strand). Cytogenetic location: 11p12.
Variant type: single nucleotide variant.
Coding change: c.686G>T on transcript NM_000536.4 (MANE Select); coding-DNA position 686, G replaced by T.
Protein change: p.Arg229Leu; replaces arginine 229 with leucine.
Molecular consequence: missense variant.
Genome position (GRCh38, 1-based): chr11:36,593,483, C>A on the plus strand (G>T on the coding strand, the complement: RAG2 is on the minus strand). VCF-style: chr11-36593483-C-A. GRCh37 (hg19) VCF-style: chr11-36615033-C-A.
Other names: c.686G>T, p.Arg229Leu (NM_001243785.2, NM_001243786.2); c.686G>T (NM_000536.3); short protein forms R229L.
Identifiers: ClinVar variation 1483301 (VCV001483301.7), dbSNP rs121917894, ClinGen allele CA5950541.